The following is an entry in ClinVar:

NM_014974.3(DIP2C):c.3320C>T (p.Thr1107Met)

Genes: DIP2C (DIP2 acetate--CoA ligase C (putative); minus strand), LOC126860805 (BRD4-independent group 4 enhancer GRCh37_chr10:390524-391723; plus strand). Cytogenetic location: 10p15.3.
Variant type: single nucleotide variant.
Coding change: c.3320C>T on transcript NM_014974.3 (MANE Select); coding-DNA position 3320, C replaced by T.
Protein change: p.Thr1107Met; replaces threonine 1107 with methionine.
Molecular consequence: missense variant.
Genome position (GRCh38, 1-based): chr10:345,022, G>A on the plus strand (C>T on the coding strand, the complement: DIP2C is on the minus strand). VCF-style: chr10-345022-G-A. GRCh37 (hg19) VCF-style: chr10-390962-G-A.
Other names: c.3320C>T (NM_014974.2); short protein forms T1107M.
Identifiers: ClinVar variation 1587129 (VCV001587129.12), dbSNP rs151164098, ClinGen allele CA5380020.
Genomic context (GRCh38, chr10:345,022, plus strand): 5'-CCGTGAGCAAACCACCTTCTGCAGCTAAAGCACCAACCTGTGTCCAGGATGAGGGGCCAC[G>A]TCCTGACGTCCACAGCCGCCGCCGCCTCCCTGGACCGCAGCAACTTACAGATCAGCTGTG-3'
Protein context (NP_055789.1, residues 1097-1117): REAAAAVDVR[Thr1107Met]WPLILDTDDL

ClinVar aggregate classification (germline): Conflicting classifications of pathogenicity. Review status: criteria provided, conflicting classifications (1 of 4 stars). 4 submissions from 4 submitters: Uncertain significance (1); Likely benign (2). 1 of the submissions does not count toward it. Last evaluated 2025-12-08.

Conditions:
DIP2C-related disorder. Also called: DIP2C-related condition.
Inborn genetic diseases. Identifiers: MedGen C0950123, MeSH D030342.

Allele frequency attached by ClinVar (database versions not stated): 1000 Genomes Project 0.00060; 1000 Genomes Project 30x 0.00062; gnomAD 0.00105 and 0.00111; ExAC 0.00127; gnomAD exomes 0.00128; TOPMed 0.00135; ESP Exome Variant Server 0.00146.
gnomAD v4.1: 2,055 of 1,613,096 alleles (0.13%); highest among the groups gnomAD compares: Middle Eastern, 0.78%; 1 homozygote.

Submissions (4):

Labcorp Genetics (formerly Invitae), Labcorp
Classification: Likely benign. Last evaluated: 2025-12-08. Review status: criteria provided, single submitter. Criteria: Invitae Variant Classification Sherloc (09022015). Collection method: clinical testing. Allele origin: germline.

Ambry Genetics
Classification: Uncertain significance for Inborn genetic diseases. Last evaluated: 2022-02-03. Review status: criteria provided, single submitter. Criteria: Ambry Variant Classification Scheme 2023. Collection method: clinical testing. Allele origin: germline.

Breakthrough Genomics
Classification: Likely benign. Review status: criteria provided, single submitter. Criteria: ACMG Guidelines, 2015. Collection method: not provided. Allele origin: germline. Inheritance: Unknown mechanism. Affected: yes.

PreventionGenetics, part of Exact Sciences
Classification: Likely benign for DIP2C-related condition. Last evaluated: 2023-04-09. Review status: no assertion criteria provided. Collection method: clinical testing. Allele origin: germline. Not counted in ClinVar's aggregate classification.
Comment: This variant is classified as likely benign based on ACMG/AMP sequence variant interpretation guidelines (Richards et al. 2015 PMID: 25741868, with internal and published modifications).